The following is an entry in ClinVar:

ClinVar aggregate classification (germline): Likely pathogenic (1 of 4 stars; one submission).

Conditions:
Familial Mediterranean fever (FMF). Also called: POLYSEROSITIS, FAMILIAL PAROXYSMAL; POLYSEROSITIS, RECURRENT; Periodic peritonitis; Benign paroxysmal peritonitis. Identifiers: Orphanet 342, MedGen C0031069, MONDO:0018088, OMIM 249100. Disease mechanism: gain of function.

Submission:

Juno Genomics, Hangzhou Juno Genomics, Inc
Classification: Likely pathogenic for Familial Mediterranean fever. Review status: criteria provided, single submitter. Criteria: ACMG Guidelines, 2015. Collection method: clinical testing. Allele origin: germline.
Comment: Null variant in a gene where loss of function (LOF) is a known mechanism of disease.;Absent from controls (or at extremely low frequency if recessive) in Genome Aggregation Database.

NM_000243.3(MEFV):c.877G>T (p.Glu293Ter)

Gene: MEFV (MEFV innate immunity regulator, pyrin; minus strand). Cytogenetic location: 16p13.3.
Variant type: single nucleotide variant.
Coding change: c.877G>T on transcript NM_000243.3 (MANE Select); coding-DNA position 877, G replaced by T.
Protein change: p.Glu293Ter; replaces glutamic acid 293 with a stop codon.
Molecular consequence: nonsense. On other transcripts: intron variant (1).
Genome position (GRCh38, 1-based): chr16:3,254,191, C>A on the plus strand (G>T on the coding strand, the complement: MEFV is on the minus strand). VCF-style: chr16-3254191-C-A. GRCh37 (hg19) VCF-style: chr16-3304191-C-A.
Other names: c.277+2120G>T (NM_001198536.2); short protein forms E293*.
Identifiers: ClinVar variation 5005581 (VCV005005581.2).